The following is an entry in ClinVar:

ClinVar aggregate classification (germline): Uncertain significance (1 of 4 stars; one submission).

Conditions:
Combined oxidative phosphorylation defect type 27. Also called: Combined oxidative phosphorylation deficiency 27. Identifiers: Orphanet 477774, MedGen C5567608, MONDO:0014728, OMIM 616672.

Allele frequency attached by ClinVar (database versions not stated): gnomAD exomes below 0.00001; ExAC 0.00001; gnomAD 0.00001.
gnomAD v4.1: 1 of 1,613,824 alleles (0.000062%); highest among the groups gnomAD compares: African/African-American, 0.0013%; no homozygotes.

Submission:

Labcorp Genetics (formerly Invitae), Labcorp
Classification: Uncertain significance for Combined oxidative phosphorylation defect type 27. Last evaluated: 2021-08-30. Review status: criteria provided, single submitter. Criteria: Invitae Variant Classification Sherloc (09022015). Collection method: clinical testing. Allele origin: germline.
Comment: This sequence change replaces serine with alanine at codon 321 of the CARS2 protein (p.Ser321Ala). The serine residue is highly conserved and there is a moderate physicochemical difference between serine and alanine. This variant is present in population databases (rs759013193, ExAC 0.01%). This variant has not been reported in the literature in individuals affected with CARS2-related conditions. Algorithms developed to predict the effect of missense changes on protein structure and function are either unavailable or do not agree on the potential impact of this missense change (SIFT: "Deleterious"; PolyPhen-2: "Possibly Damaging"; Align-GVGD: "Class C0"). In summary, the available evidence is currently insufficient to determine the role of this variant in disease. Therefore, it has been classified as a Variant of Uncertain Significance.

NM_024537.4(CARS2):c.961T>G (p.Ser321Ala)

Gene: CARS2 (cysteinyl-tRNA synthetase 2, mitochondrial; minus strand). Cytogenetic location: 13q34.
Variant type: single nucleotide variant.
Coding change: c.961T>G on transcript NM_024537.4 (MANE Select); coding-DNA position 961, T replaced by G.
Protein change: p.Ser321Ala; replaces serine 321 with alanine.
Molecular consequence: missense variant. On other transcripts: 3 prime UTR variant (1), non-coding transcript variant (2).
Genome position (GRCh38, 1-based): chr13:110,663,477, A>C on the plus strand (T>G on the coding strand, the complement: CARS2 is on the minus strand). VCF-style: chr13-110663477-A-C. GRCh37 (hg19) VCF-style: chr13-111315824-A-C.
Other names: c.175T>G, p.Ser59Ala (NM_001352252.2); c.*433T>G (NM_001352253.3); short protein forms S321A, S59A.
Identifiers: ClinVar variation 1406507 (VCV001406507.5), dbSNP rs759013193, ClinGen allele CA7052019.